The following is an entry in ClinVar:

NM_001039141.3(TRIOBP):c.202A>G (p.Thr68Ala)

Gene: TRIOBP (TRIO and F-actin binding protein; plus strand). Cytogenetic location: 22q13.1.
Variant type: single nucleotide variant.
Coding change: c.202A>G on transcript NM_001039141.3 (MANE Select); coding-DNA position 202, A replaced by G.
Protein change: p.Thr68Ala; replaces threonine 68 with alanine.
Molecular consequence: missense variant.
Genome position (GRCh38, 1-based): chr22:37,710,514, A>G. VCF-style: chr22-37710514-A-G. GRCh37 (hg19) VCF-style: chr22-38106521-A-G.
Other names: short protein forms T68A.
Identifiers: ClinVar variation 43849 (VCV000043849.14), dbSNP rs200529550, ClinGen allele CA133022.

ClinVar aggregate classification (germline): Conflicting classifications of pathogenicity. Review status: criteria provided, conflicting classifications (1 of 4 stars). 5 submissions from 5 submitters: Uncertain significance (1); Likely benign (4). Last evaluated 2025-04-23.

Conditions:
TRIOBP-related disorder. Also called: TRIOBP-related condition.

Allele frequency attached by ClinVar (database versions not stated): gnomAD exomes 0.00028 and 0.00034; gnomAD 0.00055 and 0.00063; ESP Exome Variant Server 0.00057; TOPMed 0.00070; ExAC 0.00034; 1000 Genomes Project 0.00040; 1000 Genomes Project 30x 0.00047.
gnomAD v4.1: 501 of 1,611,602 alleles (0.031%); highest among the groups gnomAD compares: African/African-American, 0.15%; no homozygotes.

Submissions (5):

PreventionGenetics, part of Exact Sciences
Classification: Likely benign for TRIOBP-related condition. Last evaluated: 2025-04-23. Review status: criteria provided, single submitter. Criteria: ACMG Guidelines, 2015. Collection method: clinical testing. Allele origin: germline.
Comment: This variant is classified as likely benign based on ACMG/AMP sequence variant interpretation guidelines (Richards et al. 2015 PMID: 25741868, with internal and published modifications).

Labcorp Genetics (formerly Invitae), Labcorp
Classification: Uncertain significance. Last evaluated: 2025-01-27. Review status: criteria provided, single submitter. Criteria: Invitae Variant Classification Sherloc (09022015). Collection method: clinical testing. Allele origin: germline.
Comment: This sequence change replaces threonine, which is neutral and polar, with alanine, which is neutral and non-polar, at codon 68 of the TRIOBP protein (p.Thr68Ala). This variant is present in population databases (rs200529550, gnomAD 0.2%). This variant has not been reported in the literature in individuals affected with TRIOBP-related conditions. ClinVar contains an entry for this variant (Variation ID: 43849). An algorithm developed to predict the effect of missense changes on protein structure and function outputs the following: PolyPhen-2: "Benign". The alanine amino acid residue is found in multiple mammalian species, which suggests that this missense change does not adversely affect protein function. In summary, the available evidence is currently insufficient to determine the role of this variant in disease. Therefore, it has been classified as a Variant of Uncertain Significance.

Blueprint Genetics
Classification: Likely benign. Last evaluated: 2024-09-13. Review status: criteria provided, single submitter. Criteria: ACMG Guidelines, 2015. Collection method: clinical testing. Allele origin: germline.

GeneDx
Classification: Likely benign. Last evaluated: 2023-06-12. Review status: criteria provided, single submitter. Criteria: GeneDx Variant Classification Process June 2021. Collection method: clinical testing. Allele origin: germline. Affected: yes.
Comment: See Variant Classification Assertion Criteria.

Laboratory for Molecular Medicine, Mass General Brigham Personalized Medicine
Classification: Likely benign. Last evaluated: 2015-04-28. Review status: criteria provided, single submitter. Criteria: LMM Criteria. Collection method: clinical testing. Allele origin: germline. Observed: 4 variant alleles.
Comment: p.Thr68Ala in exon 4 of TRIOBP: This variant is not expected to have clinical s ignificance due to a lack of conservation across species, including mammals. Of note, 8 mammals have an alanine (Ala) at this position despite high nearby amino acid conservation. In addition, computational prediction tools do not suggest a high likelihood of impact to the protein. It has also been identified in 0.2% ( 17/8836) of African chromosomes by the Exome Aggregation Consortium (ExAC; dbSNP rs200529550).